The following is an entry in ClinVar:

ClinVar aggregate classification (germline): Pathogenic. Review status: criteria provided, multiple submitters, no conflicts (2 of 4 stars). 3 submissions from 3 submitters: Pathogenic (3). Last evaluated 2026-01-26.

Conditions:
Townes-Brocks syndrome 1 (TBS1). Also called: DEAFNESS, SENSORINEURAL, WITH IMPERFORATE ANUS AND THUMB ANOMALIES; REAR SYNDROME; RENAL-EAR-ANAL-RADIAL SYNDROME; SALL1-Related Townes-Brocks Syndrome. Identifiers: Orphanet 857, MedGen C4551481, MONDO:0054581, OMIM 107480.
Townes syndrome (TBS). Also called: Townes-Brocks syndrome. Identifiers: Orphanet 857, MedGen C0265246, MeSH C536974, MONDO:0007142.

Submissions (3):

Medical and Scientific Branch, Hong Kong Genome Institute
Classification: Pathogenic for Townes-Brocks syndrome 1. Last evaluated: 2026-01-26. Review status: criteria provided, single submitter. Criteria: ACMG Guidelines, 2015. Collection method: clinical testing. Allele origin: maternal. Affected: yes.

Labcorp Genetics (formerly Invitae), Labcorp
Classification: Pathogenic for Townes syndrome. Last evaluated: 2025-02-04. Review status: criteria provided, single submitter. Criteria: Invitae Variant Classification Sherloc (09022015). Collection method: clinical testing. Allele origin: germline.
Comment: This sequence change creates a premature translational stop signal (p.Arg786*) in the SALL1 gene. It is expected to result in an absent or disrupted protein product. Loss-of-function variants in SALL1 are known to be pathogenic (PMID: 9973281, 12915476, 16088922, 23069192). This variant is not present in population databases (gnomAD no frequency). This premature translational stop signal has been observed in individual(s) with SALL1-related conditions (PMID: 36549658). For these reasons, this variant has been classified as Pathogenic.

MVZ Medizinische Genetik Mainz
Classification: Pathogenic for Townes-Brocks syndrome 1. Last evaluated: 2023-10-10. Review status: criteria provided, single submitter. Criteria: UK Practice Guidelines For Variant Classification V4 01 2020. Collection method: clinical testing. Allele origin: germline. Inheritance: Autosomal dominant inheritance. Affected: yes. Observed: 1 variant allele.
Comment: ACMG Criteria: PVS1,PS4_SUP,PM2_SUP,PM6_SUP,PP4

Literature cited by the submitters: PubMed 9973281 (cited by Labcorp Genetics (formerly Invitae), Labcorp); PubMed 12915476 (cited by Labcorp Genetics (formerly Invitae), Labcorp); PubMed 16088922 (cited by Labcorp Genetics (formerly Invitae), Labcorp); PubMed 23069192 (cited by Labcorp Genetics (formerly Invitae), Labcorp); PubMed 36549658 (cited by Labcorp Genetics (formerly Invitae), Labcorp).

NM_002968.3(SALL1):c.2356C>T (p.Arg786Ter)

Gene: SALL1 (spalt like transcription factor 1; minus strand). Cytogenetic location: 16q12.1.
Variant type: single nucleotide variant.
Coding change: c.2356C>T on transcript NM_002968.3 (MANE Select); coding-DNA position 2356, C replaced by T.
Protein change: p.Arg786Ter; replaces arginine 786 with a stop codon.
Molecular consequence: nonsense.
Genome position (GRCh38, 1-based): chr16:51,139,866, G>A on the plus strand (C>T on the coding strand, the complement: SALL1 is on the minus strand). VCF-style: chr16-51139866-G-A. GRCh37 (hg19) VCF-style: chr16-51173777-G-A.
Other names: c.2065C>T, p.Arg689Ter (NM_001127892.2); short protein forms R689*, R786*.
Identifiers: ClinVar variation 4755556 (VCV004755556.3).